The following is an entry in ClinVar:

ClinVar aggregate classification (germline): Uncertain significance (1 of 4 stars; one submission).

Allele frequency attached by ClinVar (database versions not stated): TOPMed below 0.00001; ExAC 0.00001.
gnomAD v4.1: 9 of 1,613,868 alleles (0.00056%); highest among the groups gnomAD compares: South Asian, 0.0011%; no homozygotes.

Submission:

Labcorp Genetics (formerly Invitae), Labcorp
Classification: Uncertain significance. Last evaluated: 2024-07-08. Review status: criteria provided, single submitter. Criteria: Invitae Variant Classification Sherloc (09022015). Collection method: clinical testing. Allele origin: germline.
Comment: This sequence change replaces arginine, which is basic and polar, with histidine, which is basic and polar, at codon 1310 of the C3 protein (p.Arg1310His). This variant is present in population databases (rs777906922, gnomAD 0.003%). This variant has not been reported in the literature in individuals affected with C3-related conditions. Advanced modeling of protein sequence and biophysical properties (such as structural, functional, and spatial information, amino acid conservation, physicochemical variation, residue mobility, and thermodynamic stability) performed at Invitae indicates that this missense variant is not expected to disrupt C3 protein function with a negative predictive value of 80%. In summary, the available evidence is currently insufficient to determine the role of this variant in disease. Therefore, it has been classified as a Variant of Uncertain Significance.

NM_000064.4(C3):c.3929G>A (p.Arg1310His)

Gene: C3 (complement C3; minus strand). Cytogenetic location: 19p13.3.
Variant type: single nucleotide variant.
Coding change: c.3929G>A on transcript NM_000064.4 (MANE Select); coding-DNA position 3929, G replaced by A.
Protein change: p.Arg1310His; replaces arginine 1310 with histidine.
Molecular consequence: missense variant.
Genome position (GRCh38, 1-based): chr19:6,685,028, C>T on the plus strand (G>A on the coding strand, the complement: C3 is on the minus strand). VCF-style: chr19-6685028-C-T. GRCh37 (hg19) VCF-style: chr19-6685039-C-T.
Other names: short protein forms R1310H.
Identifiers: ClinVar variation 2805734 (VCV002805734.3), dbSNP rs777906922, ClinGen allele CA9128592.
Genomic context (GRCh38, chr19:6,685,028, plus strand): 5'-GCTTGGCTGGGTGACTGTACCTCTTCTGATCGCAGGAGGCTGGCAGATTCCCAGTGGATA[C>T]GGTGGGTGATCTTGGAGCTGCGGCTGGGCAGTTGGAGGGACACATCAAGGTTCAGTTCCT-3'
Protein context (NP_000055.2, residues 1300-1320): LPSRSSKITH[Arg1310His]IHWESASLLR